The following is an entry in ClinVar:

NM_006904.7(PRKDC):c.5703T>A (p.His1901Gln)

Gene: PRKDC (protein kinase, DNA-activated, catalytic subunit; minus strand). Cytogenetic location: 8q11.21.
Variant type: single nucleotide variant.
Coding change: c.5703T>A on transcript NM_006904.7 (MANE Select); coding-DNA position 5703, T replaced by A.
Protein change: p.His1901Gln; replaces histidine 1901 with glutamine.
Molecular consequence: missense variant.
Genome position (GRCh38, 1-based): chr8:47,863,446, A>T on the plus strand (T>A on the coding strand, the complement: PRKDC is on the minus strand). VCF-style: chr8-47863446-A-T. GRCh37 (hg19) VCF-style: chr8-48776007-A-T.
Other names: c.5703T>A, p.His1901Gln (NM_001081640.2); short protein forms H1901Q.
Identifiers: ClinVar variation 572644 (VCV000572644.7), dbSNP rs1563773425, ClinGen allele CA371162918.

ClinVar aggregate classification (germline): Uncertain significance (1 of 4 stars; one submission).

Conditions:
Severe combined immunodeficiency due to DNA-PKcs deficiency. Also called: Immunodeficiency 26 with or without neurologic abnormalities; IMMUNODEFICIENCY 26 WITH NEUROLOGIC ABNORMALITIES. Identifiers: Orphanet 317425, MedGen C4014833, MONDO:0014423, OMIM 615966.

Allele frequency attached by ClinVar (database versions not stated): gnomAD exomes below 0.00001.
gnomAD v4.1: 1 of 1,612,118 alleles (0.000062%); highest among the groups gnomAD compares: Non-Finnish European, 0.000085%; no homozygotes.

Submission:

Labcorp Genetics (formerly Invitae), Labcorp
Classification: Uncertain significance for Severe combined immunodeficiency due to DNA-PKcs deficiency. Last evaluated: 2018-02-08. Review status: criteria provided, single submitter. Criteria: Invitae Variant Classification Sherloc (09022015). Collection method: clinical testing. Allele origin: germline.
Comment: In summary, the available evidence is currently insufficient to determine the role of this variant in disease. Therefore, it has been classified as a Variant of Uncertain Significance. This sequence change replaces histidine with glutamine at codon 1901 of the PRKDC protein (p.His1901Gln). The histidine residue is moderately conserved and there is a small physicochemical difference between histidine and glutamine. This variant is not present in population databases (ExAC no frequency). This variant has not been reported in the literature in individuals with PRKDC-related disease. Algorithms developed to predict the effect of missense changes on protein structure and function output the following: SIFT: "Tolerated"; PolyPhen-2: "Benign"; Align-GVGD: "Class C0". The glutamine amino acid residue is found in multiple mammalian species, suggesting that this missense change does not adversely affect protein function. These predictions have not been confirmed by published functional studies and their clinical significance is uncertain.